The following is an entry in ClinVar:

ClinVar aggregate classification (germline): Conflicting classifications of pathogenicity. Review status: criteria provided, conflicting classifications (1 of 4 stars). 2 submissions from 2 submitters: Likely pathogenic (1); Uncertain significance (1). Last evaluated 2025-12-31.

Conditions:
Junctional epidermolysis bullosa. Identifiers: Orphanet 305, MedGen C0079301, MONDO:0017612.

Allele frequency attached by ClinVar (database versions not stated): gnomAD exomes below 0.00001.
gnomAD v4.1: 1 of 1,613,092 alleles (0.000062%); highest among the groups gnomAD compares: Non-Finnish European, 0.000085%; no homozygotes.

Submissions (2):

Myriad Genetics, Inc.
Classification: Uncertain significance for Junctional epidermolysis bullosa. Last evaluated: 2025-12-31. Review status: criteria provided, single submitter. Criteria: Myriad Autosomal Dominant, Autosomal Recessive and X-Linked Classification Criteria (2023). Collection method: clinical testing. Allele origin: unknown.
Comment: NM_000227.3(LAMA3):c.1010-2A>G is a variant in a canonical splice site classified as a variant of uncertain significance in the context of junctional epidermolysis bullosa, LAMA3-related. c.1010-2A>G has not been observed in cases with relevant disease. Relevant functional assessments of this variant are not available in the literature. c.1010-2A>G has not been observed in referenced population frequency databases. In summary, there is insufficient evidence to classify NM_000227.3(LAMA3):c.1010-2A>G as pathogenic or benign. Please note: this variant was assessed in the context of healthy population screening.

Labcorp Genetics (formerly Invitae), Labcorp
Classification: Likely pathogenic. Last evaluated: 2023-07-29. Review status: criteria provided, single submitter. Criteria: Invitae Variant Classification Sherloc (09022015). Collection method: clinical testing. Allele origin: germline.
Comment: In summary, the currently available evidence indicates that the variant is pathogenic, but additional data are needed to prove that conclusively. Therefore, this variant has been classified as Likely Pathogenic. Algorithms developed to predict the effect of sequence changes on RNA splicing suggest that this variant may disrupt the consensus splice site. ClinVar contains an entry for this variant (Variation ID: 2050101). This variant has not been reported in the literature in individuals affected with LAMA3-related conditions. This variant is not present in population databases (gnomAD no frequency). This sequence change affects an acceptor splice site in intron 9 of the LAMA3 gene. It is expected to disrupt RNA splicing. Variants that disrupt the donor or acceptor splice site typically lead to a loss of protein function (PMID: 16199547), and loss-of-function variants in LAMA3 are known to be pathogenic (PMID: 10366601, 11810295, 12915477, 16473856, 17362460, 22434185, 23869449, 27827380, 28087116).

Literature cited by the submitters: PubMed 16199547 (cited by Labcorp Genetics (formerly Invitae), Labcorp); PubMed 10366601 (cited by Labcorp Genetics (formerly Invitae), Labcorp); PubMed 11810295 (cited by Labcorp Genetics (formerly Invitae), Labcorp); PubMed 12915477 (cited by Labcorp Genetics (formerly Invitae), Labcorp); PubMed 16473856 (cited by Labcorp Genetics (formerly Invitae), Labcorp); PubMed 17362460 (cited by Labcorp Genetics (formerly Invitae), Labcorp); PubMed 22434185 (cited by Labcorp Genetics (formerly Invitae), Labcorp); PubMed 23869449 (cited by Labcorp Genetics (formerly Invitae), Labcorp); PubMed 27827380 (cited by Labcorp Genetics (formerly Invitae), Labcorp); PubMed 28087116 (cited by Labcorp Genetics (formerly Invitae), Labcorp).

NM_198129.4(LAMA3):c.5837-2A>G

Gene: LAMA3 (laminin subunit alpha 3; plus strand). Cytogenetic location: 18q11.2.
Variant type: single nucleotide variant.
Coding change: c.5837-2A>G on transcript NM_198129.4 (MANE Select); the canonical splice acceptor site of the intron before coding-DNA position 5837, A replaced by G.
Molecular consequence: splice acceptor variant. On other transcripts: intron variant (2).
Genome position (GRCh38, 1-based): chr18:23,899,286, A>G. VCF-style: chr18-23899286-A-G. GRCh37 (hg19) VCF-style: chr18-21479250-A-G.
Other names: c.5836+221A>G (NM_001127717.4); c.1010-2A>G (NM_000227.6); c.1009+221A>G (NM_001127718.4).
Identifiers: ClinVar variation 2050101 (VCV002050101.5), dbSNP rs2511380376, ClinGen allele CA402047130.